The following is an entry in ClinVar:

NM_000552.5(VWF):c.7730-4C>G

Gene: VWF (von Willebrand factor; minus strand). Cytogenetic location: 12p13.31.
Variant type: single nucleotide variant.
Coding change: c.7730-4C>G on transcript NM_000552.5 (MANE Select); 4 bases into the intron before coding-DNA position 7730, C replaced by G.
Molecular consequence: intron variant.
Genome position (GRCh38, 1-based): chr12:5,968,171, G>C on the plus strand (C>G on the coding strand, the complement: VWF is on the minus strand). VCF-style: chr12-5968171-G-C. GRCh37 (hg19) VCF-style: chr12-6077337-G-C.
Other names: c.7730-4C>G (NM_000552.4).
Identifiers: ClinVar variation 310038 (VCV000310038.7), dbSNP rs71581030, ClinGen allele CA6401563.
Genomic context (GRCh38, chr12:5,968,171, plus strand): 5'-GAGGACAGCGGCTCACCCCAATGACAGTGCCATTGAGCATGCAGGCCTCCATGCGCTCTG[G>C]GGGAGAGAAAAGTGCAGAGTGAGAGTGGGCAAAACACACCCTGGTGAGACCGGCGAGCAG-3'

ClinVar aggregate classification (germline): Uncertain significance. Review status: criteria provided, multiple submitters, no conflicts (2 of 4 stars). 3 submissions from 3 submitters: Uncertain significance (3). Last evaluated 2024-10-25.

Conditions:
Hereditary von Willebrand disease. Identifiers: Orphanet 903, MedGen C5703318, MONDO:0019565. Inheritance: Autosomal recessive or Autosomal dominant.

Allele frequency attached by ClinVar (database versions not stated): ESP Exome Variant Server 0.00008; ExAC 0.00012; gnomAD 0.00013 and 0.00015; gnomAD exomes 0.00014; TOPMed 0.00015.
gnomAD v4.1: 329 of 1,613,882 alleles (0.02%); highest among the groups gnomAD compares: Middle Eastern, 0.033%; no homozygotes.

Submissions (3):

Blueprint Genetics
Classification: Uncertain significance. Last evaluated: 2024-10-25. Review status: criteria provided, single submitter. Criteria: ACMG Guidelines, 2015. Collection method: clinical testing. Allele origin: germline.

Women's Health and Genetics/Laboratory Corporation of America, LabCorp
Classification: Uncertain significance. Last evaluated: 2023-09-19. Review status: criteria provided, single submitter. Criteria: LabCorp Variant Classification Summary - May 2015. Collection method: clinical testing. Allele origin: germline.
Comment: Variant summary: VWF c.7730-4C>G alters a non-conserved nucleotide located close to a canonical splice site and therefore could affect mRNA splicing, leading to a significantly altered protein sequence. Consensus agreement among computation tools predict no significant impact on normal splicing. Sequencing of transcripts from a patient with the variant did not reveal a splicing impact (Borras_2019). The variant allele was found at a frequency of 0.00014 in 251222 control chromosomes (gnomAD). c.7730-4C>G has been reported in the literature in individuals affected with Von Willebrand Disease (Fidalgo_2016, Borras_2017). These reports do not provide unequivocal conclusions about association of the variant with Von Willebrand Disease. The following publications have been ascertained in the context of this evaluation (PMID: 26988807, 28971901, 30361419). One submitter has cited a clinical-significance assessment for this variant to ClinVar after 2014 and has classified the variant as uncertain significance. Based on the evidence outlined above, the variant was classified as uncertain significance.

Illumina Laboratory Services, Illumina
Classification: Uncertain significance for von Willebrand disorder. Last evaluated: 2018-01-12. Review status: criteria provided, single submitter. Criteria: ICSL Variant Classification Criteria 13 December 2019. Collection method: clinical testing. Allele origin: germline.

Literature cited by the submitters: PubMed 28971901 (cited by Women's Health and Genetics/Laboratory Corporation of America, LabCorp); PubMed 26988807 (cited by Women's Health and Genetics/Laboratory Corporation of America, LabCorp); PubMed 30361419 (cited by Women's Health and Genetics/Laboratory Corporation of America, LabCorp).